The following is an entry in ClinVar:

ClinVar aggregate classification (germline): Pathogenic (1 of 4 stars; one submission).

Submission:

Labcorp Genetics (formerly Invitae), Labcorp
Classification: Pathogenic. Last evaluated: 2023-03-17. Review status: criteria provided, single submitter. Criteria: Invitae Variant Classification Sherloc (09022015). Collection method: clinical testing. Allele origin: germline.
Comment: For these reasons, this variant has been classified as Pathogenic. This variant has not been reported in the literature in individuals affected with TYMP-related conditions. This variant is not present in population databases (gnomAD no frequency). This sequence change creates a premature translational stop signal (p.Ala239Profs*24) in the TYMP gene. It is expected to result in an absent or disrupted protein product. Loss-of-function variants in TYMP are known to be pathogenic (PMID: 9924029, 15781193).

Literature cited by the submitters: PubMed 9924029; PubMed 15781193.

NM_001953.5(TYMP):c.715del (p.Ala239fs)

Gene: TYMP (thymidine phosphorylase; minus strand). Cytogenetic location: 22q13.33.
Variant type: Deletion.
Coding change: c.715del on transcript NM_001953.5 (MANE Select); coding-DNA position 715, one base deleted (G; older notation c.715delG).
Protein change: p.Ala239fs; shifts the reading frame from alanine 239.
Molecular consequence: frameshift variant.
Genome position (GRCh38, 1-based): chr22:50,527,215, C deleted on the plus strand (G on the coding strand, the reverse complement: TYMP is on the minus strand); the first of 4 consecutive C bases (chr22:50,527,215-50,527,218); deleting any one gives the same sequence. VCF-style (leftmost placement, unchanged base first): chr22-50527214-GC-G. GRCh37 (hg19) VCF-style: chr22-50965643-GC-G.
Other names: c.715del, p.Ala239fs (NM_001113755.3, NM_001113756.3, NM_001257988.1 and 1 more transcripts); short protein forms A239fs.
Identifiers: ClinVar variation 2846525 (VCV002846525.3), dbSNP rs2522525853, ClinGen allele CA2739268041.